The following is an entry in ClinVar:

NM_002025.4(AFF2):c.659G>T (p.Ser220Ile)

Gene: AFF2 (ALF transcription elongation factor 2; plus strand). Cytogenetic location: Xq28.
Variant type: single nucleotide variant.
Coding change: c.659G>T on transcript NM_002025.4 (MANE Select); coding-DNA position 659, G replaced by T.
Protein change: p.Ser220Ile; replaces serine 220 with isoleucine.
Molecular consequence: missense variant.
Genome position (GRCh38, 1-based): chrX:148,662,386, G>T. VCF-style: chrX-148662386-G-T. GRCh37 (hg19) VCF-style: chrX-147743907-G-T.
Other names: c.647G>T, p.Ser216Ile (NM_001169122.2, NM_001169123.2, NM_001169125.2); c.659G>T, p.Ser220Ile (NM_001169124.2); short protein forms S216I, S220I.
Identifiers: ClinVar variation 3767407 (VCV003767407.1).
Genomic context (GRCh38, chrX:148,662,386, plus strand): 5'-CAGCTGAACAGCCCCAGATTGGAGAAGTTGAAGAGTCAAACCCATCTGCAAAGGAAGACA[G>T]TAACCCTAATTCTAGTGGAGAAGATGCTTTCAAAGAAATCTTTCAATCCAATTCACCGGA-3'
Protein context (NP_002016.2, residues 210-230): EESNPSAKED[Ser220Ile]NPNSSGEDAF

ClinVar aggregate classification (germline): Uncertain significance (1 of 4 stars; one submission).

Submission:

GeneDx
Classification: Uncertain significance. Last evaluated: 2024-09-04. Review status: criteria provided, single submitter. Criteria: GeneDx Variant Classification Process June 2021. Collection method: clinical testing. Allele origin: germline. Affected: yes.
Comment: Not observed at significant frequency in large population cohorts (gnomAD); In silico analysis supports that this missense variant has a deleterious effect on protein structure/function; Has not been previously published as pathogenic or benign to our knowledge